The following is an entry in ClinVar:

ClinVar aggregate classification (germline): Benign/Likely benign. Review status: criteria provided, multiple submitters, no conflicts (2 of 4 stars). 13 submissions from 10 submitters: Benign (10); Likely benign (1). 2 of the submissions do not count toward it. Last evaluated 2026-02-04.

Conditions:
Joubert syndrome. Also called: Familial aplasia of the vermis; JOUBERT-BOLTSHAUSER SYNDROME. Identifiers: Orphanet 475, MedGen C5979921, MONDO:0018772.
Meckel-Gruber syndrome. Also called: Dysencephalia splachnocystica; GRUBER SYNDROME; DYSENCEPHALIA SPLANCHNOCYSTICA. Identifiers: Orphanet 564, MedGen C0265215, MONDO:0018921.
Nephronophthisis 8. Identifiers: MedGen CN119610.
Meckel syndrome, type 5 (MKS5). Identifiers: Orphanet 564, MedGen C1969052, MONDO:0012695, OMIM 611561.
Joubert syndrome 7 (JBTS7). Identifiers: Orphanet 220497, MedGen C1969053, MONDO:0012694, OMIM 611560.

Allele frequency attached by ClinVar (database versions not stated): gnomAD exomes 0.05425; ExAC 0.06305; gnomAD 0.10532 and 0.10935; ESP Exome Variant Server 0.11465; TOPMed 0.11588; 1000 Genomes Project 0.11681; 1000 Genomes Project 30x 0.12492.
gnomAD v4.1: 78,401 of 1,607,948 alleles (4.9%); highest among the groups gnomAD compares: African/African-American, 29%; 4,690 homozygotes.

Submissions (13):

Labcorp Genetics (formerly Invitae), Labcorp
Classification: Benign for Joubert syndrome; Meckel-Gruber syndrome. Last evaluated: 2026-02-04. Review status: criteria provided, single submitter. Criteria: Invitae Variant Classification Sherloc (09022015). Collection method: clinical testing. Allele origin: germline.

Blueprint Genetics
Classification: Likely benign. Last evaluated: 2024-11-27. Review status: criteria provided, single submitter. Criteria: ACMG Guidelines, 2015. Collection method: clinical testing. Allele origin: germline.

Mayo Clinic Laboratories, Mayo Clinic
Classification: Benign. Last evaluated: 2022-03-23. Review status: criteria provided, single submitter. Criteria: ACMG Guidelines, 2015. Collection method: clinical testing. Allele origin: germline. Observed: 73 variant alleles.

Genome-Nilou Lab
Classification: Benign for Joubert syndrome 7. Last evaluated: 2021-07-10. Review status: criteria provided, single submitter. Criteria: ACMG Guidelines, 2015. Collection method: clinical testing. Allele origin: germline. Affected: no.

Genome-Nilou Lab
Classification: Benign for Meckel syndrome, type 5. Last evaluated: 2021-07-10. Review status: criteria provided, single submitter. Criteria: ACMG Guidelines, 2015. Collection method: clinical testing. Allele origin: germline. Affected: no.

Illumina Laboratory Services, Illumina
Classification: Benign for Meckel syndrome, type 5. Last evaluated: 2018-01-13. Review status: criteria provided, single submitter. Criteria: ICSL Variant Classification Criteria 13 December 2019. Collection method: clinical testing. Allele origin: germline.
Comment: This variant was observed in the ICSL laboratory as part of a predisposition screen in an ostensibly healthy population. It had not been previously curated by ICSL or reported in the Human Gene Mutation Database (HGMD: prior to June 1st, 2018), and was therefore a candidate for classification through an automated scoring system. Utilizing variant allele frequency, disease prevalence and penetrance estimates, and inheritance mode, an automated score was calculated to assess if this variant is too frequent to cause the disease. Based on the score and internal cut-off values, a variant classified as benign is not then subjected to further curation. The score for this variant resulted in a classification of benign for this disease.

Illumina Laboratory Services, Illumina
Classification: Benign for Nephronophthisis 8. Last evaluated: 2018-01-13. Review status: criteria provided, single submitter. Criteria: ICSL Variant Classification Criteria 13 December 2019. Collection method: clinical testing. Allele origin: germline.
Comment: the same text as in the submission from Illumina Laboratory Services, Illumina above.

Illumina Laboratory Services, Illumina
Classification: Benign for Joubert syndrome 7. Last evaluated: 2018-01-13. Review status: criteria provided, single submitter. Criteria: ICSL Variant Classification Criteria 13 December 2019. Collection method: clinical testing. Allele origin: germline.
Comment: the same text as in the submission from Illumina Laboratory Services, Illumina above.

GeneDx
Classification: Benign. Last evaluated: 2014-02-27. Review status: criteria provided, single submitter. Criteria: GeneDx Variant Classification (06012015). Collection method: clinical testing. Allele origin: germline. Affected: yes.
Comment: This variant is considered likely benign or benign based on one or more of the following criteria: it is a conservative change, it occurs at a poorly conserved position in the protein, it is predicted to be benign by multiple in silico algorithms, and/or has population frequency not consistent with disease.

Breakthrough Genomics
Classification: Benign. Review status: criteria provided, single submitter. Criteria: ACMG Guidelines, 2015. Collection method: not provided. Allele origin: germline. Inheritance: Autosomal recessive inheritance. Affected: yes.

PreventionGenetics, part of Exact Sciences
Classification: Benign. Review status: criteria provided, single submitter. Criteria: ACMG Guidelines, 2015. Collection method: clinical testing. Allele origin: germline.

Natera, Inc.
Classification: Benign for Joubert syndrome. Last evaluated: 2020-09-16. Review status: no assertion criteria provided. Collection method: clinical testing. Allele origin: germline. Not counted in ClinVar's aggregate classification.

Genetic Services Laboratory, University of Chicago
Classification: Likely benign for AllHighlyPenetrant. Review status: no assertion criteria provided. Collection method: clinical testing. Allele origin: germline. Inheritance: Autosomal recessive inheritance. Observed: 81 variant alleles. Not counted in ClinVar's aggregate classification.
Comment: Likely benign based on allele frequency in 1000 Genomes Project or ESP global frequency and its presence in a patient with a rare or unrelated disease phenotype. NOT Sanger confirmed.

NM_015272.5(RPGRIP1L):c.3936C>T (p.Asp1312=)

Gene: RPGRIP1L (RPGRIP1 like; minus strand). Cytogenetic location: 16q12.2.
Variant type: single nucleotide variant.
Coding change: c.3936C>T on transcript NM_015272.5 (MANE Select); coding-DNA position 3936, C replaced by T.
Protein change: p.Asp1312=; no amino-acid change (aspartic acid 1312 retained).
Molecular consequence: synonymous variant.
Genome position (GRCh38, 1-based): chr16:53,602,088, G>A on the plus strand (C>T on the coding strand, the complement: RPGRIP1L is on the minus strand). VCF-style: chr16-53602088-G-A. GRCh37 (hg19) VCF-style: chr16-53636000-G-A.
Other names: p.D1312D:GAC>GAT; p.Asp1312=; c.3696C>T, p.Asp1232= (NM_001127897.4); c.3798C>T, p.Asp1266= (NM_001308334.3); c.3834C>T, p.Asp1278= (NM_001330538.2).
Identifiers: ClinVar variation 126280 (VCV000126280.28), dbSNP rs4784320, ClinGen allele CA150951.